The following is an entry in ClinVar:

ClinVar aggregate classification (germline): Uncertain significance (1 of 4 stars; one submission).

Allele frequency attached by ClinVar (database versions not stated): ExAC 0.00001; gnomAD 0.00001 and 0.00002; gnomAD exomes 0.00001; TOPMed 0.00003.
gnomAD v4.1: 12 of 1,611,414 alleles (0.00074%); highest among the groups gnomAD compares: Middle Eastern, 0.051%; no homozygotes.

Submission:

Labcorp Genetics (formerly Invitae), Labcorp
Classification: Uncertain significance. Last evaluated: 2025-03-17. Review status: criteria provided, single submitter. Criteria: Invitae Variant Classification Sherloc (09022015). Collection method: clinical testing. Allele origin: germline.
Comment: This sequence change replaces threonine, which is neutral and polar, with proline, which is neutral and non-polar, at codon 540 of the DVL1 protein (p.Thr540Pro). This variant is present in population databases (rs770136685, gnomAD 0.02%). This variant has not been reported in the literature in individuals affected with DVL1-related conditions. ClinVar contains an entry for this variant (Variation ID: 1512416). Invitae Evidence Modeling of protein sequence and biophysical properties (such as structural, functional, and spatial information, amino acid conservation, physicochemical variation, residue mobility, and thermodynamic stability) indicates that this missense variant is not expected to disrupt DVL1 protein function with a negative predictive value of 80%. In summary, the available evidence is currently insufficient to determine the role of this variant in disease. Therefore, it has been classified as a Variant of Uncertain Significance.

NM_001330311.2(DVL1):c.1693A>C (p.Thr565Pro)

Genes: DVL1 (dishevelled segment polarity protein 1; minus strand), LOC129929114 (ATAC-STARR-seq lymphoblastoid silent region 61; plus strand). Cytogenetic location: 1p36.33.
Variant type: single nucleotide variant.
Coding change: c.1693A>C on transcript NM_001330311.2 (MANE Select); coding-DNA position 1693, A replaced by C.
Protein change: p.Thr565Pro; replaces threonine 565 with proline.
Molecular consequence: missense variant.
Genome position (GRCh38, 1-based): chr1:1,337,998, T>G on the plus strand (A>C on the coding strand, the complement: DVL1 is on the minus strand). VCF-style: chr1-1337998-T-G. GRCh37 (hg19) VCF-style: chr1-1273378-T-G.
Other names: c.1618A>C, p.Thr540Pro (NM_004421.3); short protein forms T540P, T565P.
Identifiers: ClinVar variation 1512416 (VCV001512416.8), dbSNP rs770136685, ClinGen allele CA519962.